The following is an entry in ClinVar:

ClinVar aggregate classification (germline): Uncertain significance (1 of 4 stars; one submission).

Conditions:
Inborn genetic diseases. Identifiers: MedGen C0950123, MeSH D030342.

gnomAD v4.1: 2 of 1,614,122 alleles (0.00012%); highest among the groups gnomAD compares: South Asian, 0.0022%; no homozygotes.

Submission:

Ambry Genetics
Classification: Uncertain significance for Inborn genetic diseases. Last evaluated: 2025-01-05. Review status: criteria provided, single submitter. Criteria: Ambry Variant Classification Scheme 2023. Collection method: clinical testing. Allele origin: germline.
Comment: The p.P178S variant (also known as c.532C>T), located in coding exon 6 of the DDX41 gene, results from a C to T substitution at nucleotide position 532. The proline at codon 178 is replaced by serine, an amino acid with similar properties. This amino acid position is conserved. In addition, this alteration is predicted to be tolerated by in silico analysis. Based on the available evidence, the clinical significance of this variant remains unclear.

NM_016222.4(DDX41):c.532C>T (p.Pro178Ser)

Gene: DDX41 (DEAD-box helicase 41; minus strand). Cytogenetic location: 5q35.3.
Variant type: single nucleotide variant.
Coding change: c.532C>T on transcript NM_016222.4 (MANE Select); coding-DNA position 532, C replaced by T.
Protein change: p.Pro178Ser; replaces proline 178 with serine.
Molecular consequence: missense variant.
Genome position (GRCh38, 1-based): chr5:177,515,724, G>A on the plus strand (C>T on the coding strand, the complement: DDX41 is on the minus strand). VCF-style: chr5-177515724-G-A. GRCh37 (hg19) VCF-style: chr5-176942725-G-A.
Other names: c.154C>T, p.Pro52Ser (NM_001321732.2, NM_001321830.2); short protein forms P52S, P178S.
Identifiers: ClinVar variation 3838974 (VCV003838974.1).